The following is an entry in ClinVar:

ClinVar aggregate classification (germline): Uncertain significance (1 of 4 stars; one submission).

Conditions:
Intellectual developmental disorder, X-linked, syndromic 14. Also called: Syndromic X-linked intellectual disability 14. Identifiers: Orphanet 776, MedGen C1970822, MONDO:0010398, OMIM 300676.

Submission:

Labcorp Genetics (formerly Invitae), Labcorp
Classification: Uncertain significance for Intellectual developmental disorder, X-linked, syndromic 14. Last evaluated: 2025-09-10. Review status: criteria provided, single submitter. Criteria: Invitae Variant Classification Sherloc (09022015). Collection method: clinical testing. Allele origin: germline.
Comment: This sequence change replaces asparagine, which is neutral and polar, with lysine, which is basic and polar, at codon 282 of the UPF3B protein (p.Asn282Lys). This variant is not present in population databases (gnomAD no frequency). This variant has not been reported in the literature in individuals affected with UPF3B-related conditions. ClinVar contains an entry for this variant (Variation ID: 3620505). An algorithm developed to predict the effect of missense changes on protein structure and function (PolyPhen-2) suggests that this variant is likely to be tolerated. In summary, the available evidence is currently insufficient to determine the role of this variant in disease. Therefore, it has been classified as a Variant of Uncertain Significance.

NM_080632.3(UPF3B):c.846T>A (p.Asn282Lys)

Gene: UPF3B (UPF3B regulator of nonsense mediated mRNA decay; minus strand). Cytogenetic location: Xq24.
Variant type: single nucleotide variant.
Coding change: c.846T>A on transcript NM_080632.3 (MANE Select); coding-DNA position 846, T replaced by A.
Protein change: p.Asn282Lys; replaces asparagine 282 with lysine.
Molecular consequence: missense variant. On other transcripts: intron variant (1).
Genome position (GRCh38, 1-based): chrX:119,840,646, A>T on the plus strand (T>A on the coding strand, the complement: UPF3B is on the minus strand). VCF-style: chrX-119840646-A-T. GRCh37 (hg19) VCF-style: chrX-118974609-A-T.
Other names: c.807+430T>A (NM_023010.4); short protein forms N282K.
Identifiers: ClinVar variation 3620505 (VCV003620505.2).